The following is an entry in ClinVar:

ClinVar aggregate classification (germline): Conflicting classifications of pathogenicity. Review status: criteria provided, conflicting classifications (1 of 4 stars). 5 submissions from 5 submitters: Uncertain significance (1); Likely benign (3). 1 of the submissions does not count toward it. Last evaluated 2026-03-09.

Conditions:
PCDH15-related disorder. Also called: PCDH15-related condition; PCDH15-related disorders.
Usher syndrome type 1F (USH1F). Also called: USHER SYNDROME, TYPE IF. Identifiers: Orphanet 231169, Orphanet 886, MedGen C1865885, MONDO:0011186, OMIM 602083.

Allele frequency attached by ClinVar (database versions not stated): gnomAD exomes 0.00003 and 0.00008; ExAC 0.00008; ESP Exome Variant Server 0.00023; gnomAD 0.00030 and 0.00035; TOPMed 0.00032.
gnomAD v4.1: 91 of 1,589,206 alleles (0.0057%); highest among the groups gnomAD compares: African/African-American, 0.11%; no homozygotes.

Submissions (5):

PreventionGenetics, part of Exact Sciences
Classification: Likely benign for PCDH15-related condition. Last evaluated: 2026-03-09. Review status: criteria provided, single submitter. Criteria: ACMG Guidelines, 2015. Collection method: clinical testing. Allele origin: germline.
Comment: This variant is classified as likely benign based on ACMG/AMP sequence variant interpretation guidelines (Richards et al. 2015 PMID: 25741868, with internal and published modifications).

Labcorp Genetics (formerly Invitae), Labcorp
Classification: Likely benign. Last evaluated: 2025-12-08. Review status: criteria provided, single submitter. Criteria: Invitae Variant Classification Sherloc (09022015). Collection method: clinical testing. Allele origin: germline.

Blueprint Genetics
Classification: Likely benign. Last evaluated: 2021-07-08. Review status: criteria provided, single submitter. Criteria: ACMG Guidelines, 2015. Collection method: clinical testing. Allele origin: germline.

Eurofins Ntd Llc (ga)
Classification: Uncertain significance. Last evaluated: 2016-07-12. Review status: criteria provided, single submitter. Criteria: EGL Classification Definitions 2015. Collection method: clinical testing. Allele origin: germline. Observed: 1 variant allele, 1 heterozygote.

Natera, Inc.
Classification: Likely benign for Usher syndrome type 1F. Last evaluated: 2020-02-20. Review status: no assertion criteria provided. Collection method: clinical testing. Allele origin: germline. Not counted in ClinVar's aggregate classification.

NM_001384140.1(PCDH15):c.4320G>A (p.Pro1440=)

Gene: PCDH15 (protocadherin related 15; minus strand). Cytogenetic location: 10q21.1.
Variant type: single nucleotide variant.
Coding change: c.4320G>A on transcript NM_001384140.1 (MANE Select); coding-DNA position 4320, G replaced by A.
Protein change: p.Pro1440=; no amino-acid change (proline 1440 retained).
Molecular consequence: synonymous variant.
Genome position (GRCh38, 1-based): chr10:53,827,440, C>T on the plus strand (G>A on the coding strand, the complement: PCDH15 is on the minus strand). VCF-style: chr10-53827440-C-T. GRCh37 (hg19) VCF-style: chr10-55587200-C-T.
Other names: c.4254G>A, p.Pro1418= (NM_001142768.2, NM_001354404.2); c.4356G>A, p.Pro1452= (NM_001142769.4); c.4320G>A, p.Pro1440= (NM_001142770.3, NM_001142772.2, NM_001354420.2 and 3 more transcripts); c.4335G>A, p.Pro1445= (NM_001142771.2, NM_001142763.2); c.4245G>A, p.Pro1415= (NM_001142773.2); c.4341G>A, p.Pro1447= (NM_001354411.2); c.4107G>A, p.Pro1369= (NM_001142765.2); c.4311G>A, p.Pro1437= (NM_001142766.2); and 1 more.
Identifiers: ClinVar variation 288914 (VCV000288914.18), dbSNP rs12246234, ClinGen allele CA5505370.